The following is an entry in ClinVar:

ClinVar aggregate classification (germline): Likely benign (1 of 4 stars; one submission).

Allele frequency attached by ClinVar (database versions not stated): TOPMed 0.00002; gnomAD exomes 0.00003; ExAC 0.00005; 1000 Genomes Project 30x 0.00016; 1000 Genomes Project 0.00020.
gnomAD v4.1: 48 of 1,613,874 alleles (0.003%); highest among the groups gnomAD compares: South Asian, 0.022%; no homozygotes.

Submission:

CeGaT Center for Human Genetics Tuebingen
Classification: Likely benign. Last evaluated: 2022-06-01. Review status: criteria provided, single submitter. Criteria: CeGaT Center For Human Genetics Tuebingen Variant Classification Criteria Version 2. Collection method: clinical testing. Allele origin: germline. Affected: yes. Observed: 1 variant allele.
Comment: ECE1: BP4, BS2

NM_001397.3(ECE1):c.139-35C>T

Gene: ECE1 (endothelin converting enzyme 1; minus strand). Cytogenetic location: 1p36.12.
Variant type: single nucleotide variant.
Coding change: c.139-35C>T on transcript NM_001397.3 (MANE Select); 35 bases into the intron before coding-DNA position 139, C replaced by T.
Molecular consequence: intron variant. On other transcripts: missense variant (1).
Genome position (GRCh38, 1-based): chr1:21,279,367, G>A on the plus strand (C>T on the coding strand, the complement: ECE1 is on the minus strand). VCF-style: chr1-21279367-G-A. GRCh37 (hg19) VCF-style: chr1-21605860-G-A.
Other names: c.68C>T, p.Thr23Met (NM_001113347.2); c.91-35C>T (NM_001113348.2); c.130-35C>T (NM_001113349.2); short protein forms T23M.
Identifiers: ClinVar variation 2638446 (VCV002638446.24), dbSNP rs536975210, ClinGen allele CA665572.